The following is an entry in ClinVar:

ClinVar aggregate classification (germline): Uncertain significance (1 of 4 stars; one submission).

Allele frequency attached by ClinVar (database versions not stated): gnomAD exomes 0.00001; TOPMed 0.00001; ExAC 0.00003.
gnomAD v4.1: 7 of 1,612,210 alleles (0.00043%); highest among the groups gnomAD compares: South Asian, 0.0033%; no homozygotes.

Submission:

Labcorp Genetics (formerly Invitae), Labcorp
Classification: Uncertain significance. Last evaluated: 2022-04-28. Review status: criteria provided, single submitter. Criteria: Invitae Variant Classification Sherloc (09022015). Collection method: clinical testing. Allele origin: germline.
Comment: In summary, the available evidence is currently insufficient to determine the role of this variant in disease. Therefore, it has been classified as a Variant of Uncertain Significance. Algorithms developed to predict the effect of missense changes on protein structure and function output the following: SIFT: "Tolerated"; PolyPhen-2: "Benign"; Align-GVGD: "Class C0". The glutamine amino acid residue is found in multiple mammalian species, which suggests that this missense change does not adversely affect protein function. This variant has not been reported in the literature in individuals affected with PPCS-related conditions. This variant is present in population databases (rs767257417, gnomAD 0.01%). This sequence change replaces arginine, which is basic and polar, with glutamine, which is neutral and polar, at codon 302 of the PPCS protein (p.Arg302Gln).

NM_024664.4(PPCS):c.905G>A (p.Arg302Gln)

Genes: CCDC30 (coiled-coil domain containing 30; plus strand), PPCS (phosphopantothenoylcysteine synthetase; plus strand). Cytogenetic location: 1p34.2.
Variant type: single nucleotide variant.
Coding change: c.905G>A on transcript NM_024664.4 (MANE Select); coding-DNA position 905, G replaced by A.
Protein change: p.Arg302Gln; replaces arginine 302 with glutamine.
Molecular consequence: missense variant. On other transcripts: intron variant (2).
Genome position (GRCh38, 1-based): chr1:42,459,895, G>A. VCF-style: chr1-42459895-G-A. GRCh37 (hg19) VCF-style: chr1-42925566-G-A.
Other names: c.386G>A, p.Arg129Gln (NM_001077447.3, NM_001287506.1, NM_001287508.2 and 2 more transcripts); c.287G>A, p.Arg96Gln (NM_001287507.1); c.-880+2545G>A (NM_001355226.2); c.612+2545G>A (NM_001287511.2); short protein forms R129Q, R96Q, R302Q.
Identifiers: ClinVar variation 1924921 (VCV001924921.4), dbSNP rs767257417, ClinGen allele CA800092.
Genomic context (GRCh38, chr1:42,459,895, plus strand): 5'-AGGAAGAAATAGAAAAAGGCGTAGAGATAGAAGAGAAGATAGTGGATAATCTTCAGTCTC[G>A]ACACACAGCTTTTATAGGTGACAGAAACTGAAGTAAAAAGCCCTTATAGGATCAAAAATT-3'
Protein context (NP_078940.2, residues 292-311): EEKIVDNLQS[Arg302Gln]HTAFIGDRN